The following is an entry in ClinVar:

NM_018417.6(ADCY10):c.4477del (p.Leu1493fs)

Gene: ADCY10 (adenylate cyclase 10; minus strand). Cytogenetic location: 1q24.2.
Variant type: Deletion.
Coding change: c.4477del on transcript NM_018417.6 (MANE Select); coding-DNA position 4477, one base deleted (C; older notation c.4477delC).
Protein change: p.Leu1493fs; shifts the reading frame from leucine 1493.
Molecular consequence: frameshift variant.
Genome position (GRCh38, 1-based): chr1:167,818,077, G deleted on the plus strand (C on the coding strand, the reverse complement: ADCY10 is on the minus strand). VCF-style (leftmost placement, unchanged base first): chr1-167818076-AG-A. GRCh37 (hg19) VCF-style: chr1-167787314-AG-A.
Other names: c.4477delC (NM_018417.5); c.4018del, p.Leu1340fs (NM_001167749.3); c.4201del, p.Leu1401fs (NM_001297772.2); short protein forms L1340fs, L1401fs, L1493fs.
Identifiers: ClinVar variation 1076639 (VCV001076639.6), dbSNP rs576118131, ClinGen allele CA1227024.

ClinVar aggregate classification (germline): Conflicting classifications of pathogenicity. Review status: criteria provided, conflicting classifications (1 of 4 stars). 2 submissions from 2 submitters: Pathogenic (1); Uncertain significance (1). Last evaluated 2024-11-06.

Conditions:
ADCY10-related disorder. Also called: ADCY10-related condition.

Allele frequency attached by ClinVar (database versions not stated): ESP Exome Variant Server 0.00024; gnomAD exomes 0.00030 and 0.00037; gnomAD 0.00032 and 0.00035; ExAC 0.00047; TOPMed 0.00018.

Submissions (2):

PreventionGenetics, part of Exact Sciences
Classification: Uncertain significance for ADCY10-related condition. Last evaluated: 2024-11-06. Review status: criteria provided, single submitter. Criteria: ACMG Guidelines, 2015. Collection method: clinical testing. Allele origin: germline.
Comment: The ADCY10 c.4477delC variant is predicted to result in a frameshift and premature protein termination (p.Leu1493Serfs*24). This variant was reported in an individual with hypercalciuria (Halbritter et al. 2015. PubMed ID: 25296721). This variant is reported in 0.17% of alleles in individuals of European (Finnish) descent in gnomAD, which may be too common to be a primary cause of disease. Although we suspect that this variant may be benign, at this time, the clinical significance of this variant is uncertain due to the absence of conclusive functional and genetic evidence.

Labcorp Genetics (formerly Invitae), Labcorp
Classification: Pathogenic. Last evaluated: 2022-02-10. Review status: criteria provided, single submitter. Criteria: Invitae Variant Classification Sherloc (09022015). Collection method: clinical testing. Allele origin: germline.
Comment: This sequence change creates a premature translational stop signal (p.Leu1493Serfs*24) in the ADCY10 gene. It is expected to result in an absent or disrupted protein product. Loss-of-function variants in ADCY10 are known to be pathogenic (PMID: 31119281). This variant is present in population databases (rs576118131, gnomAD 0.2%), and has an allele count higher than expected for a pathogenic variant. For these reasons, this variant has been classified as Pathogenic. ClinVar contains an entry for this variant (Variation ID: 1076639). This premature translational stop signal has been observed in individual(s) with nephrolithiasis (PMID: 25296721).

Literature cited by the submitters: PubMed 31119281 (cited by Labcorp Genetics (formerly Invitae), Labcorp); PubMed 25296721 (cited by Labcorp Genetics (formerly Invitae), Labcorp).